The following is an entry in ClinVar:

NM_001876.4(CPT1A):c.853A>C (p.Lys285Gln)

Gene: CPT1A (carnitine palmitoyltransferase 1A; minus strand). Cytogenetic location: 11q13.3.
Variant type: single nucleotide variant.
Coding change: c.853A>C on transcript NM_001876.4 (MANE Select); coding-DNA position 853, A replaced by C.
Protein change: p.Lys285Gln; replaces lysine 285 with glutamine.
Molecular consequence: missense variant.
Genome position (GRCh38, 1-based): chr11:68,794,830, T>G on the plus strand (A>C on the coding strand, the complement: CPT1A is on the minus strand). VCF-style: chr11-68794830-T-G. GRCh37 (hg19) VCF-style: chr11-68562298-T-G.
Other names: c.853A>C, p.Lys285Gln (NM_001031847.3); short protein forms K285Q.
Identifiers: ClinVar variation 784196 (VCV000784196.20), dbSNP rs77477448, ClinGen allele CA6152505.
Genomic context (GRCh38, chr11:68,794,830, plus strand): 5'-AAAATAATTTTTTTAAAGCAATTTGTTTGCCTACTGGTTTGATTTCCTCCCGGTCCAGTT[T>G]GCGCCTGTAAAGCAGGATGGCATGGATGGCGTTGCCGGCTCTTGCTGCCTGAATGTGAGT-3'
Protein context (NP_001867.2, residues 275-295): AIHAILLYRR[Lys285Gln]LDREEIKPIR

ClinVar aggregate classification (germline): Conflicting classifications of pathogenicity. Review status: criteria provided, conflicting classifications (1 of 4 stars). 5 submissions from 5 submitters: Uncertain significance (1); Likely benign (2). 2 of the submissions do not count toward it. Last evaluated 2026-02-02.

Conditions:
Inborn genetic diseases. Identifiers: MedGen C0950123, MeSH D030342.
Carnitine palmitoyl transferase 1A deficiency. Also called: Carnitine palmitoyltransferase type I deficiency; CPT I DEFICIENCY; CPT DEFICIENCY, HEPATIC, TYPE I; Carnitine palmitoyltransferase 1A deficiency; CPT deficiency, hepatic, type IA. Identifiers: Orphanet 156, MedGen C1829703, MONDO:0009705, OMIM 255120.
CPT1A-related disorder. Also called: CPT1A-related condition.

Allele frequency attached by ClinVar (database versions not stated): gnomAD exomes 0.00007 and 0.00021; ExAC 0.00029; TOPMed 0.00068; gnomAD 0.00084 and 0.00093; ESP Exome Variant Server 0.00092; 1000 Genomes Project 30x 0.00125; 1000 Genomes Project 0.00160.

Submissions (5):

Labcorp Genetics (formerly Invitae), Labcorp
Classification: Likely benign for Carnitine palmitoyl transferase 1A deficiency. Last evaluated: 2026-02-02. Review status: criteria provided, single submitter. Criteria: Invitae Variant Classification Sherloc (09022015). Collection method: clinical testing. Allele origin: germline.

Ambry Genetics
Classification: Likely benign for Inborn genetic diseases. Last evaluated: 2024-09-09. Review status: criteria provided, single submitter. Criteria: Ambry Variant Classification Scheme 2023. Collection method: clinical testing. Allele origin: germline.

GeneDx
Classification: Uncertain significance. Last evaluated: 2023-12-08. Review status: criteria provided, single submitter. Criteria: GeneDx Variant Classification Process June 2021. Collection method: clinical testing. Allele origin: germline. Affected: yes.
Comment: In silico analysis supports that this missense variant has a deleterious effect on protein structure/function; Has not been previously published as pathogenic or benign to our knowledge

PreventionGenetics, part of Exact Sciences
Classification: Likely benign for CPT1A-related condition. Last evaluated: 2022-10-12. Review status: no assertion criteria provided. Collection method: clinical testing. Allele origin: germline. Not counted in ClinVar's aggregate classification.
Comment: This variant is classified as likely benign based on ACMG/AMP sequence variant interpretation guidelines (Richards et al. 2015 PMID: 25741868, with internal and published modifications).

Natera, Inc.
Classification: Uncertain significance for Carnitine palmitoyltransferase type I deficiency. Last evaluated: 2020-04-16. Review status: no assertion criteria provided. Collection method: clinical testing. Allele origin: germline. Not counted in ClinVar's aggregate classification.